The following is an entry in ClinVar:

NM_004655.4(AXIN2):c.1105A>T (p.Thr369Ser)

Gene: AXIN2 (axin 2; minus strand). Cytogenetic location: 17q24.1.
Variant type: single nucleotide variant.
Coding change: c.1105A>T on transcript NM_004655.4 (MANE Select); coding-DNA position 1105, A replaced by T.
Protein change: p.Thr369Ser; replaces threonine 369 with serine.
Molecular consequence: missense variant.
Genome position (GRCh38, 1-based): chr17:65,538,298, T>A on the plus strand (A>T on the coding strand, the complement: AXIN2 is on the minus strand). VCF-style: chr17-65538298-T-A. GRCh37 (hg19) VCF-style: chr17-63534416-T-A.
Other names: c.1105A>T, p.Thr369Ser (NM_001363813.1); short protein forms T369S.
Identifiers: ClinVar variation 2451661 (VCV002451661.2), dbSNP rs759128363, ClinGen allele CA400678458.
Genomic context (GRCh38, chr17:65,538,298, plus strand): 5'-GGCGGCTCTCCAACTCCAGCTTCAGCTTTTCCAGCCTCGAGATCAGCTCAGCTGCAAAGG[T>A]GGCGGGTTCCACGGGGGTCATCTCCTTGGGCAGGCGGTGGGTTCTCTACAGGACGTGGAA-3'
Protein context (NP_004646.3, residues 359-379): PKEMTPVEPA[Thr369Ser]FAAELISRLE

ClinVar aggregate classification (germline): Uncertain significance (1 of 4 stars; one submission).

Conditions:
Hereditary cancer-predisposing syndrome. Also called: Neoplastic Syndromes, Hereditary; Tumor predisposition; Hereditary neoplastic syndrome; Hereditary Cancer Syndrome. Identifiers: Orphanet 140162, MedGen C0027672, MeSH D009386, MONDO:0015356.

Submission:

Ambry Genetics
Classification: Uncertain significance for Hereditary cancer-predisposing syndrome. Last evaluated: 2023-01-11. Review status: criteria provided, single submitter. Criteria: Ambry Variant Classification Scheme 2023. Collection method: clinical testing. Allele origin: germline.
Comment: The p.T369S variant (also known as c.1105A>T), located in coding exon 4 of the AXIN2 gene, results from an A to T substitution at nucleotide position 1105. The threonine at codon 369 is replaced by serine, an amino acid with similar properties. This amino acid position is conserved. In addition, this alteration is predicted to be tolerated by in silico analysis. Since supporting evidence is limited at this time, the clinical significance of this alteration remains unclear.